The following is an entry in ClinVar:

ClinVar aggregate classification (germline): Benign/Likely benign. Review status: criteria provided, multiple submitters, no conflicts (2 of 4 stars). 7 submissions from 7 submitters: Benign (3); Likely benign (3). 1 of the submissions does not count toward it. Last evaluated 2026-06-01.

Conditions:
KMT2D-related disorder. Also called: KMT2D-Related Disorders.
Kabuki syndrome 1 (KABUK1). Also called: KMT2D-Related Kabuki Syndrome. Identifiers: Orphanet 2322, MedGen CN030661, MONDO:0007843, OMIM 147920.

Allele frequency attached by ClinVar (database versions not stated): ExAC 0.00050; 1000 Genomes Project 0.00120; 1000 Genomes Project 30x 0.00156; TOPMed 0.00182.
gnomAD v4.1: 436 of 1,612,110 alleles (0.027%); highest among the groups gnomAD compares: African/African-American, 0.51%; no homozygotes.

Submissions (7):

CeGaT Center for Human Genetics Tuebingen
Classification: Likely benign. Last evaluated: 2026-06-01. Review status: criteria provided, single submitter. Criteria: CeGaT Center For Human Genetics Tuebingen Variant Classification Criteria Version 2. Collection method: clinical testing. Allele origin: germline. Affected: yes. Observed: 2 variant alleles.
Comment: KMT2D: BP4, BP7, BS1

Blueprint Genetics
Classification: Likely benign. Last evaluated: 2023-11-06. Review status: criteria provided, single submitter. Criteria: ACMG Guidelines, 2015. Collection method: clinical testing. Allele origin: germline.

Fulgent Genetics
Classification: Likely benign for Kabuki syndrome 1. Last evaluated: 2021-11-19. Review status: criteria provided, single submitter. Criteria: ACMG Guidelines, 2015. Collection method: clinical testing. Allele origin: unknown.

GeneDx
Classification: Benign. Last evaluated: 2020-03-25. Review status: criteria provided, single submitter. Criteria: GeneDx Variant Classification Process June 2021. Collection method: clinical testing. Allele origin: germline. Affected: yes.

Labcorp Genetics (formerly Invitae), Labcorp
Classification: Benign. Last evaluated: 2018-08-18. Review status: criteria provided, single submitter. Criteria: Invitae Variant Classification Sherloc (09022015). Collection method: clinical testing. Allele origin: germline.

Breakthrough Genomics
Classification: Benign. Review status: criteria provided, single submitter. Criteria: ACMG Guidelines, 2015. Collection method: not provided. Allele origin: germline. Inheritance: Autosomal dominant inheritance. Affected: yes.

PreventionGenetics, part of Exact Sciences
Classification: Benign for KMT2D-related condition. Last evaluated: 2019-09-16. Review status: no assertion criteria provided. Collection method: clinical testing. Allele origin: germline. Not counted in ClinVar's aggregate classification.
Comment: This variant is classified as benign based on ACMG/AMP sequence variant interpretation guidelines (Richards et al. 2015 PMID: 25741868, with internal and published modifications).

NM_003482.4(KMT2D):c.8148T>C (p.Pro2716=)

Gene: KMT2D (lysine methyltransferase 2D; minus strand). Cytogenetic location: 12q13.12.
Variant type: single nucleotide variant.
Coding change: c.8148T>C on transcript NM_003482.4 (MANE Select); coding-DNA position 8148, T replaced by C.
Protein change: p.Pro2716=; no amino-acid change (proline 2716 retained).
Molecular consequence: synonymous variant.
Genome position (GRCh38, 1-based): chr12:49,039,516, A>G on the plus strand (T>C on the coding strand, the complement: KMT2D is on the minus strand). VCF-style: chr12-49039516-A-G. GRCh37 (hg19) VCF-style: chr12-49433299-A-G.
Identifiers: ClinVar variation 716433 (VCV000716433.33), dbSNP rs369429157, ClinGen allele CA6546908.